The following is an entry in ClinVar:

NM_001261826.3(AP3D1):c.2901G>A (p.Pro967=)

Gene: AP3D1 (adaptor related protein complex 3 subunit delta 1; minus strand). Cytogenetic location: 19p13.3.
Variant type: single nucleotide variant.
Coding change: c.2901G>A on transcript NM_001261826.3 (MANE Select); coding-DNA position 2901, G replaced by A.
Protein change: p.Pro967=; no amino-acid change (proline 967 retained).
Molecular consequence: synonymous variant.
Genome position (GRCh38, 1-based): chr19:2,111,715, C>T on the plus strand (G>A on the coding strand, the complement: AP3D1 is on the minus strand). VCF-style: chr19-2111715-C-T. GRCh37 (hg19) VCF-style: chr19-2111714-C-T.
Other names: p.Pro967=; c.2865G>A, p.Pro955= (NM_001374799.1); c.2715G>A, p.Pro905= (NM_003938.8).
Identifiers: ClinVar variation 715834 (VCV000715834.11), dbSNP rs150982298, ClinGen allele CA9058679.

ClinVar aggregate classification (germline): Benign/Likely benign. Review status: criteria provided, multiple submitters, no conflicts (2 of 4 stars). 3 submissions from 3 submitters: Benign (1); Likely benign (2). Last evaluated 2026-01-26.

Allele frequency attached by ClinVar (database versions not stated): gnomAD exomes 0.00041; ExAC 0.00087; TOPMed 0.00146; gnomAD 0.00173 and 0.00185; ESP Exome Variant Server 0.00186; 1000 Genomes Project 30x 0.00219; 1000 Genomes Project 0.00260.
gnomAD v4.1: 533 of 1,601,480 alleles (0.033%); highest among the groups gnomAD compares: African/African-American, 0.58%; 2 homozygotes.

Submissions (3):

Labcorp Genetics (formerly Invitae), Labcorp
Classification: Benign. Last evaluated: 2026-01-26. Review status: criteria provided, single submitter. Criteria: Invitae Variant Classification Sherloc (09022015). Collection method: clinical testing. Allele origin: germline.

Mayo Clinic Laboratories, Mayo Clinic
Classification: Likely benign. Last evaluated: 2024-12-09. Review status: criteria provided, single submitter. Criteria: ACMG Guidelines, 2015. Collection method: clinical testing. Allele origin: germline. Observed: 4 variant alleles.
Comment: BP4, BP7

Blueprint Genetics
Classification: Likely benign. Last evaluated: 2024-09-05. Review status: criteria provided, single submitter. Criteria: ACMG Guidelines, 2015. Collection method: clinical testing. Allele origin: germline.